The following is an entry in ClinVar:

ClinVar aggregate classification (germline): Uncertain significance (1 of 4 stars; one submission).

Conditions:
Catecholaminergic polymorphic ventricular tachycardia (CVPT). Also called: Catecholamine-induced polymorphic ventricular tachycardia. Identifiers: Orphanet 3286, MedGen C5574922, MONDO:0017990.

Submission:

All of Us Research Program, National Institutes of Health
Classification: Uncertain significance for Catecholaminergic polymorphic ventricular tachycardia. Last evaluated: 2023-05-16. Review status: criteria provided, single submitter. Criteria: ACMG Guidelines, 2015. Collection method: clinical testing. Allele origin: germline. Inheritance: Autosomal dominant inheritance. Observed: 1 variant allele, 1 heterozygote.
Comment: This missense variant replaces asparagine with aspartic acid at codon 2152 of the RYR2 protein. Computational prediction suggests that this variant may have deleterious impact on protein structure and function (internally defined REVEL score threshold >= 0.7, PMID: 27666373). To our knowledge, functional studies have not been reported for this variant. This variant has not been reported in individuals affected with RYR2-related disorders in the literature. This variant has not been identified in the general population by the Genome Aggregation Database (gnomAD). The available evidence is insufficient to determine the role of this variant in disease conclusively. Therefore, this variant is classified as a Variant of Uncertain Significance.

This study involves interpretation of variants in research participants for the purpose of population health screening. Participant phenotype was not available at the time of variant classification. Additional details can be found in publication PMID: 35346344, PMCID: PMC8962531

NM_001035.3(RYR2):c.6454A>G (p.Asn2152Asp)

Gene: RYR2 (ryanodine receptor 2; plus strand). Cytogenetic location: 1q43.
Variant type: single nucleotide variant.
Coding change: c.6454A>G on transcript NM_001035.3 (MANE Select); coding-DNA position 6454, A replaced by G.
Protein change: p.Asn2152Asp; replaces asparagine 2152 with aspartic acid.
Molecular consequence: missense variant.
Genome position (GRCh38, 1-based): chr1:237,631,440, A>G. VCF-style: chr1-237631440-A-G. GRCh37 (hg19) VCF-style: chr1-237794740-A-G.
Other names: short protein forms N2152D.
Identifiers: ClinVar variation 3071140 (VCV003071140.1), dbSNP rs2546906519, ClinGen allele CA345412189.
Genomic context (GRCh38, chr1:237,631,440, plus strand): 5'-TAGATGTTGCTCTGAGCTTTACCCCATACGTCCATTGTCCTTTCTAGGGATATTATGAAT[A>G]ACAAAGTGTTTTACCAGCACCCTAATCTCATGAGGGCACTGGGGATGCACGAGACTGTGA-3'
Protein context (NP_001026.2, residues 2142-2162): MIRGLGDIMN[Asn2152Asp]KVFYQHPNLM